The following is an entry in ClinVar:

NM_000051.4(ATM):c.6436dup (p.Ser2146fs)

Genes: ATM (ATM serine/threonine kinase; plus strand), C11orf65 (chromosome 11 open reading frame 65; minus strand). Cytogenetic location: 11q22.3.
Variant type: Duplication.
Coding change: c.6436dup on transcript NM_000051.4 (MANE Select); coding-DNA position 6436, one base duplicated (A; older notation c.6436dupA).
Protein change: p.Ser2146fs; shifts the reading frame from serine 2146.
Molecular consequence: frameshift variant. On other transcripts: intron variant (2).
Genome position (GRCh38, 1-based): chr11:108,320,042, A duplicated; the last of 3 consecutive A bases (chr11:108,320,040-108,320,042); duplicating any one gives the same sequence. VCF-style (leftmost placement, unchanged base first): chr11-108320039-G-GA. GRCh37 (hg19) VCF-style: chr11-108190766-G-GA.
Other names: c.6436dup, p.Ser2146fs (NM_001351834.2); c.641-10969dup (NM_001330368.2); c.*39-10969dup (NM_001351110.2); c.6436dupA (NM_000051.3); short protein forms S2146fs.
Identifiers: ClinVar variation 185624 (VCV000185624.5), dbSNP rs786202323, ClinGen allele CA192448.

ClinVar aggregate classification (germline): Pathogenic (1 of 4 stars; one submission).

Conditions:
Hereditary cancer-predisposing syndrome. Also called: Hereditary Cancer Syndrome; Tumor predisposition; Neoplastic Syndromes, Hereditary; Hereditary neoplastic syndrome. Identifiers: Orphanet 140162, MedGen C0027672, MeSH D009386, MONDO:0015356.

Submission:

Ambry Genetics
Classification: Pathogenic for Hereditary cancer-predisposing syndrome. Last evaluated: 2014-07-22. Review status: criteria provided, single submitter. Criteria: Ambry Autosomal Dominant and X-Linked criteria (10/2015). Collection method: clinical testing. Allele origin: germline. Observed: 1 variant allele.
Comment: The c.6436dupA pathogenic mutation, located in coding exon 43 of the ATM gene, results from a duplication of A at nucleotide position 6436, causing a translational frameshift with a predicted alternate stop codon. Since frameshifts are typically deleterious in nature, this alteration is interpreted as a disease-causing mutation (ACMG Recommendations for Standards for Interpretation and Reporting of Sequence Variations. Revision 2007. Genet Med. 2008;10:294).